The following is an entry in ClinVar:

ClinVar aggregate classification (germline): Likely benign (1 of 4 stars; one submission).

Allele frequency attached by ClinVar (database versions not stated): gnomAD exomes below 0.00001.

Submission:

GeneDx
Classification: Likely benign. Last evaluated: 2018-06-15. Review status: criteria provided, single submitter. Criteria: GeneDx Variant Classification (06012015). Collection method: clinical testing. Allele origin: germline. Affected: yes.
Comment: This variant is considered likely benign or benign based on one or more of the following criteria: it is a conservative change, it occurs at a poorly conserved position in the protein, it is predicted to be benign by multiple in silico algorithms, and/or has population frequency not consistent with disease.

NM_000363.5(TNNI3):c.618A>G (p.Lys206=)

Gene: TNNI3 (troponin I3, cardiac type; minus strand). Cytogenetic location: 19q13.42.
Variant type: single nucleotide variant.
Coding change: c.618A>G on transcript NM_000363.5 (MANE Select); coding-DNA position 618, A replaced by G.
Protein change: p.Lys206=; no amino-acid change (lysine 206 retained).
Molecular consequence: synonymous variant.
Genome position (GRCh38, 1-based): chr19:55,151,849, T>C on the plus strand (A>G on the coding strand, the complement: TNNI3 is on the minus strand). VCF-style: chr19-55151849-T-C. GRCh37 (hg19) VCF-style: chr19-55663217-T-C.
Identifiers: ClinVar variation 671765 (VCV000671765.1), dbSNP rs1374789557, ClinGen allele CA508989328.